The following is an entry in ClinVar:

ClinVar aggregate classification (germline): Uncertain significance (1 of 4 stars; one submission).

Conditions:
Familial thoracic aortic aneurysm and aortic dissection (TAAD). Also called: Thoracic aortic aneurysms and dissections. Identifiers: Orphanet 91387, MedGen C4707243, MONDO:0019625.

Submission:

All of Us Research Program, National Institutes of Health
Classification: Uncertain significance for Familial thoracic aortic aneurysm and aortic dissection. Last evaluated: 2023-11-20. Review status: criteria provided, single submitter. Criteria: ACMG Guidelines, 2015. Collection method: clinical testing. Allele origin: germline. Inheritance: Autosomal dominant inheritance. Observed: 1 variant allele, 1 heterozygote.
Comment: This variant causes a C to G nucleotide substitution at the -9 position of intron 36 of the MYH11 gene. To our knowledge, functional studies have not been reported for this variant. This variant has not been reported in individuals affected with MYH11-related disorders in the literature. This variant has not been identified in the general population by the Genome Aggregation Database (gnomAD). The available evidence is insufficient to determine the role of this variant in disease conclusively. Therefore, this variant is classified as a Variant of Uncertain Significance.

This study involves interpretation of variants in research participants for the purpose of population health screening. Participant phenotype was not available at the time of variant classification. Additional details can be found in publication PMID: 35346344, PMCID: PMC8962531

NM_002474.3(MYH11):c.5083-9C>G

Genes: NDE1 (nudE neurodevelopment protein 1; plus strand), MYH11 (myosin heavy chain 11; minus strand). Cytogenetic location: 16p13.11.
Variant type: single nucleotide variant.
Coding change: c.5083-9C>G on transcript NM_002474.3 (MANE Select); 9 bases into the intron before coding-DNA position 5083, C replaced by G.
Molecular consequence: intron variant.
Genome position (GRCh38, 1-based): chr16:15,719,317, G>C on the plus strand (C>G on the coding strand, the complement: MYH11 is on the minus strand). VCF-style: chr16-15719317-G-C. GRCh37 (hg19) VCF-style: chr16-15813174-G-C.
Other names: c.948-4874G>C (NM_001143979.2, NM_017668.3); c.5083-9C>G (NM_022844.3); c.5104-9C>G (NM_001040114.2, NM_001040113.2).
Identifiers: ClinVar variation 3074539 (VCV003074539.1), dbSNP rs1244221356, ClinGen allele CA2825002387.
Genomic context (GRCh38, chr16:15,719,317, plus strand): 5'-CCTCCTTCTCGAGGTCCGCTTGTTTGCGAGCCCTCTCAGCGGCGGCGAGGTCCTAGGTGG[G>C]AGGGAGGAAGGCTGTTGTCTGCCAGGGAAAGGCCAAGCCCCACCAAGAGTCCACCCTGAC-3'